The following is an entry in ClinVar:

NM_001303052.2(MYT1L):c.1586G>A (p.Gly529Glu)

Gene: MYT1L (myelin transcription factor 1 like; minus strand). Cytogenetic location: 2p25.3.
Variant type: single nucleotide variant.
Coding change: c.1586G>A on transcript NM_001303052.2 (MANE Select); coding-DNA position 1586, G replaced by A.
Protein change: p.Gly529Glu; replaces glycine 529 with glutamic acid.
Molecular consequence: missense variant.
Genome position (GRCh38, 1-based): chr2:1,917,237, C>T on the plus strand (G>A on the coding strand, the complement: MYT1L is on the minus strand). VCF-style: chr2-1917237-C-T. GRCh37 (hg19) VCF-style: chr2-1921009-C-T.
Other names: c.1586G>A, p.Gly529Glu (NM_001329844.2, NM_001329845.1, NM_001329851.3); c.1580G>A, p.Gly527Glu (NM_001329846.3, NM_001329847.2, NM_001329848.1 and 3 more transcripts); short protein forms G527E, G529E.
Identifiers: ClinVar variation 3778755 (VCV003778755.2).

ClinVar aggregate classification (germline): Pathogenic (1 of 4 stars; one submission).

Conditions:
Intellectual developmental disorder, autosomal dominant 39. Also called: Mental retardation, autosomal dominant 39; Intellectual disability, autosomal dominant 39. Identifiers: MedGen C4225296, MONDO:0014678, OMIM 616521.

Submission:

Institute of Human Genetics, University of Leipzig Medical Center
Classification: Pathogenic for Intellectual developmental disorder, autosomal dominant 39. Last evaluated: 2025-03-10. Review status: criteria provided, single submitter. Criteria: ACMG Guidelines, 2015. Collection method: clinical testing. Allele origin: de novo. Inheritance: Autosomal dominant inheritance. Affected: yes.
Comment: Criteria applied: PS2_MOD,PM1,PM2,PM5,PP2,PP3